The following is an entry in ClinVar:

ClinVar aggregate classification (germline): Uncertain significance (1 of 4 stars; one submission).

Submission:

GeneDx
Classification: Uncertain significance. Last evaluated: 2024-02-23. Review status: criteria provided, single submitter. Criteria: GeneDx Variant Classification Process June 2021. Collection method: clinical testing. Allele origin: germline. Affected: yes.
Comment: Not observed at significant frequency in large population cohorts (gnomAD); In silico analysis supports that this missense variant does not alter protein structure/function; Has not been previously published as pathogenic or benign to our knowledge

NM_006218.4(PIK3CA):c.1501T>C (p.Ser501Pro)

Gene: PIK3CA (phosphatidylinositol-4,5-bisphosphate 3-kinase catalytic subunit alpha; plus strand). Cytogenetic location: 3q26.32.
Variant type: single nucleotide variant.
Coding change: c.1501T>C on transcript NM_006218.4 (MANE Select); coding-DNA position 1501, T replaced by C.
Protein change: p.Ser501Pro; replaces serine 501 with proline.
Molecular consequence: missense variant.
Genome position (GRCh38, 1-based): chr3:179,210,527, T>C. VCF-style: chr3-179210527-T-C. GRCh37 (hg19) VCF-style: chr3-178928315-T-C.
Other names: short protein forms S501P.
Identifiers: ClinVar variation 3369594 (VCV003369594.1).